The following is an entry in ClinVar:

NM_002439.5(MSH3):c.1903A>C (p.Thr635Pro)

Gene: MSH3 (mutS homolog 3; plus strand). Cytogenetic location: 5q14.1.
Variant type: single nucleotide variant.
Coding change: c.1903A>C on transcript NM_002439.5 (MANE Select); coding-DNA position 1903, A replaced by C.
Protein change: p.Thr635Pro; replaces threonine 635 with proline.
Molecular consequence: missense variant.
Genome position (GRCh38, 1-based): chr5:80,767,939, A>C. VCF-style: chr5-80767939-A-C. GRCh37 (hg19) VCF-style: chr5-80063758-A-C.
Other names: short protein forms T635P.
Identifiers: ClinVar variation 5024769 (VCV005024769.1).

ClinVar aggregate classification (germline): Uncertain significance (1 of 4 stars; one submission).

Conditions:
Hereditary cancer-predisposing syndrome. Also called: Neoplastic Syndromes, Hereditary; Tumor predisposition; Hereditary neoplastic syndrome; Hereditary Cancer Syndrome. Identifiers: Orphanet 140162, MedGen C0027672, MeSH D009386, MONDO:0015356.

Submission:

Ambry Genetics
Classification: Uncertain significance for Hereditary cancer-predisposing syndrome. Last evaluated: 2026-07-06. Review status: criteria provided, single submitter. Criteria: Ambry Variant Classification Scheme 2023. Collection method: clinical testing. Allele origin: germline.
Comment: The p.T635P variant (also known as c.1903A>C), located in coding exon 14 of the MSH3 gene, results from an A to C substitution at nucleotide position 1903. The threonine at codon 635 is replaced by proline, an amino acid with highly similar properties. This amino acid position is conserved. In addition, this alteration is predicted to be deleterious by in silico analysis. Based on the available evidence, the clinical significance of this variant remains unclear.